The following is an entry in ClinVar:

ClinVar aggregate classification (germline): Uncertain significance (1 of 4 stars; one submission).

Allele frequency attached by ClinVar (database versions not stated): TOPMed 0.00001.

Submission:

Labcorp Genetics (formerly Invitae), Labcorp
Classification: Uncertain significance. Last evaluated: 2022-06-24. Review status: criteria provided, single submitter. Criteria: Invitae Variant Classification Sherloc (09022015). Collection method: clinical testing. Allele origin: germline.
Comment: In summary, the available evidence is currently insufficient to determine the role of this variant in disease. Therefore, it has been classified as a Variant of Uncertain Significance. Algorithms developed to predict the effect of missense changes on protein structure and function are either unavailable or do not agree on the potential impact of this missense change (SIFT: "Deleterious"; PolyPhen-2: "Benign"; Align-GVGD: "Class C15"). ClinVar contains an entry for this variant (Variation ID: 1045868). This variant has not been reported in the literature in individuals affected with SEMA4A-related conditions. The frequency data for this variant in the population databases is considered unreliable, as metrics indicate poor data quality at this position in the gnomAD database. This sequence change replaces arginine, which is basic and polar, with tryptophan, which is neutral and slightly polar, at codon 540 of the SEMA4A protein (p.Arg540Trp).

NM_022367.4(SEMA4A):c.1618C>T (p.Arg540Trp)

Gene: SEMA4A (semaphorin 4A; plus strand). Cytogenetic location: 1q22.
Variant type: single nucleotide variant.
Coding change: c.1618C>T on transcript NM_022367.4 (MANE Select); coding-DNA position 1618, C replaced by T.
Protein change: p.Arg540Trp; replaces arginine 540 with tryptophan.
Molecular consequence: missense variant.
Genome position (GRCh38, 1-based): chr1:156,175,581, C>T. VCF-style: chr1-156175581-C-T. GRCh37 (hg19) VCF-style: chr1-156145372-C-T.
Other names: c.1618C>T, p.Arg540Trp (NM_001193300.2, NM_001193301.2, NM_001370567.1); c.1222C>T, p.Arg408Trp (NM_001193302.2); c.1321C>T, p.Arg441Trp (NM_001370568.1); c.1111C>T, p.Arg371Trp (NM_001370569.1, NM_001370571.1); short protein forms R441W, R408W, R540W, R371W.
Identifiers: ClinVar variation 1045868 (VCV001045868.8), dbSNP rs762781654, ClinGen allele CA1155419.